The following is an entry in ClinVar:

ClinVar aggregate classification (germline): Uncertain significance (1 of 4 stars; one submission).

Conditions:
Hereditary cancer-predisposing syndrome. Also called: Neoplastic Syndromes, Hereditary; Tumor predisposition; Hereditary Cancer Syndrome; Hereditary neoplastic syndrome. Identifiers: Orphanet 140162, MedGen C0027672, MeSH D009386, MONDO:0015356.

Submission:

Ambry Genetics
Classification: Uncertain significance for Hereditary cancer-predisposing syndrome. Last evaluated: 2026-04-13. Review status: criteria provided, single submitter. Criteria: Ambry Variant Classification Scheme 2023. Collection method: clinical testing. Allele origin: germline.
Comment: The p.D45V variant (also known as c.134A>T), located in coding exon 2 of the POLE gene, results from an A to T substitution at nucleotide position 134. The aspartic acid at codon 45 is replaced by valine, an amino acid with highly dissimilar properties. This amino acid position is conserved. In addition, the in silico prediction for this alteration is inconclusive. Based on the available evidence, the clinical significance of this variant remains unclear.

NM_006231.4(POLE):c.134A>T (p.Asp45Val)

Gene: POLE (DNA polymerase epsilon, catalytic subunit; minus strand). Cytogenetic location: 12q24.33.
Variant type: single nucleotide variant.
Coding change: c.134A>T on transcript NM_006231.4 (MANE Select); coding-DNA position 134, A replaced by T.
Protein change: p.Asp45Val; replaces aspartic acid 45 with valine.
Molecular consequence: missense variant.
Genome position (GRCh38, 1-based): chr12:132,681,208, T>A on the plus strand (A>T on the coding strand, the complement: POLE is on the minus strand). VCF-style: chr12-132681208-T-A. GRCh37 (hg19) VCF-style: chr12-133257794-T-A.
Other names: short protein forms D45V.
Identifiers: ClinVar variation 4862272 (VCV004862272.1).
Genomic context (GRCh38, chr12:132,681,208, plus strand): 5'-TTAATGAGCCAGCCTGTCTTCTCACCAGGCTCCTTCAGCCGCTCAAAACCAAACCGCAAA[T>A]CCATCTTATCCGTCCACTGACTCCGTTCCAGGCGCTTGAGTGCCGAAACTGAGGAAGTGG-3'
Protein context (NP_006222.2, residues 35-55): LERSQWTDKM[Asp45Val]LRFGFERLKE